The following is an entry in ClinVar:

NM_001367561.1(DOCK7):c.2162A>T (p.Asn721Ile)

Gene: DOCK7 (dedicator of cytokinesis 7; minus strand). Cytogenetic location: 1p31.3.
Variant type: single nucleotide variant.
Coding change: c.2162A>T on transcript NM_001367561.1 (MANE Select); coding-DNA position 2162, A replaced by T.
Protein change: p.Asn721Ile; replaces asparagine 721 with isoleucine.
Molecular consequence: missense variant.
Genome position (GRCh38, 1-based): chr1:62,561,654, T>A on the plus strand (A>T on the coding strand, the complement: DOCK7 is on the minus strand). VCF-style: chr1-62561654-T-A. GRCh37 (hg19) VCF-style: chr1-63027325-T-A.
Other names: c.2162A>T, p.Asn721Ile (NM_001271999.2, NM_001272000.2, NM_001272001.2 and 2 more transcripts); short protein forms N721I.
Identifiers: ClinVar variation 1938687 (VCV001938687.3), dbSNP rs979058028, ClinGen allele CA23756459.

ClinVar aggregate classification (germline): Uncertain significance (1 of 4 stars; one submission).

Conditions:
Developmental and epileptic encephalopathy, 23 (DEE23). Also called: Epileptic encephalopathy, early infantile, 23. Identifiers: Orphanet 411986, MedGen C4014492, MONDO:0014371, OMIM 615859.

Allele frequency attached by ClinVar (database versions not stated): TOPMed below 0.00001.

Submission:

Labcorp Genetics (formerly Invitae), Labcorp
Classification: Uncertain significance for Developmental and epileptic encephalopathy, 23. Last evaluated: 2021-12-19. Review status: criteria provided, single submitter. Criteria: Invitae Variant Classification Sherloc (09022015). Collection method: clinical testing. Allele origin: germline.
Comment: In summary, the available evidence is currently insufficient to determine the role of this variant in disease. Therefore, it has been classified as a Variant of Uncertain Significance. Algorithms developed to predict the effect of missense changes on protein structure and function are either unavailable or do not agree on the potential impact of this missense change (SIFT: "Deleterious"; PolyPhen-2: "Benign"; Align-GVGD: "Class C0"). This variant has not been reported in the literature in individuals affected with DOCK7-related conditions. This variant is present in population databases (no rsID available, gnomAD 0.01%). This sequence change replaces asparagine, which is neutral and polar, with isoleucine, which is neutral and non-polar, at codon 721 of the DOCK7 protein (p.Asn721Ile).